The following is an entry in ClinVar:

NM_022095.4(ZNF335):c.3526C>T (p.Arg1176Trp)

Gene: ZNF335 (zinc finger protein 335; minus strand). Cytogenetic location: 20q13.12.
Variant type: single nucleotide variant.
Coding change: c.3526C>T on transcript NM_022095.4 (MANE Select); coding-DNA position 3526, C replaced by T.
Protein change: p.Arg1176Trp; replaces arginine 1176 with tryptophan.
Molecular consequence: missense variant.
Genome position (GRCh38, 1-based): chr20:45,950,031, G>A on the plus strand (C>T on the coding strand, the complement: ZNF335 is on the minus strand). VCF-style: chr20-45950031-G-A. GRCh37 (hg19) VCF-style: chr20-44578670-G-A.
Other names: short protein forms R1176W.
Identifiers: ClinVar variation 3619709 (VCV003619709.2).
Genomic context (GRCh38, chr20:45,950,031, plus strand): 5'-TGGTCACTGTCTGTTCCTGGGCAACGATGATGTGTTCCTGGCTCAGTGCCTGCTGTAGCC[G>A]CTCTGGGCCCAGGACCCCGTGACTGGACTGGAGTGCAGCTGGGCAGAGAGGAGAGGATGC-3'
Protein context (NP_071378.1, residues 1166-1186): QSSHGVLGPE[Arg1176Trp]LQQALSQEHI

ClinVar aggregate classification (germline): Uncertain significance (1 of 4 stars; one submission).

gnomAD v4.1: 4 of 1,614,044 alleles (0.00025%); highest among the groups gnomAD compares: Admixed American, 0.0017%; no homozygotes.

Submission:

Labcorp Genetics (formerly Invitae), Labcorp
Classification: Uncertain significance. Last evaluated: 2024-05-31. Review status: criteria provided, single submitter. Criteria: Invitae Variant Classification Sherloc (09022015). Collection method: clinical testing. Allele origin: germline.
Comment: This sequence change replaces arginine, which is basic and polar, with tryptophan, which is neutral and slightly polar, at codon 1176 of the ZNF335 protein (p.Arg1176Trp). The frequency data for this variant in the population databases is considered unreliable, as metrics indicate poor data quality at this position in the gnomAD database. This variant has not been reported in the literature in individuals affected with ZNF335-related conditions. Advanced modeling of protein sequence and biophysical properties (such as structural, functional, and spatial information, amino acid conservation, physicochemical variation, residue mobility, and thermodynamic stability) performed at Invitae indicates that this missense variant is not expected to disrupt ZNF335 protein function with a negative predictive value of 80%. In summary, the available evidence is currently insufficient to determine the role of this variant in disease. Therefore, it has been classified as a Variant of Uncertain Significance.